The following is an entry in ClinVar:

NM_000039.3(APOA1):c.*19C>G

Gene: APOA1 (apolipoprotein A1; minus strand). Cytogenetic location: 11q23.3.
Variant type: single nucleotide variant.
Coding change: c.*19C>G on transcript NM_000039.3 (MANE Select); 19 bases downstream of the stop codon, C replaced by G.
Molecular consequence: 3 prime UTR variant.
Genome position (GRCh38, 1-based): chr11:116,835,789, G>C on the plus strand (C>G on the coding strand, the complement: APOA1 is on the minus strand). VCF-style: chr11-116835789-G-C. GRCh37 (hg19) VCF-style: chr11-116706505-G-C.
Other names: c.*19C>G (NM_000039.2, NM_001318017.2, NM_001318018.2 and 1 more transcripts).
Identifiers: ClinVar variation 302500 (VCV000302500.8), dbSNP rs187335584, ClinGen allele CA6289734.

ClinVar aggregate classification (germline): Benign/Likely benign. Review status: criteria provided, multiple submitters, no conflicts (2 of 4 stars). 7 submissions from 4 submitters: Benign (6); Likely benign (1). Last evaluated 2024-11-14.

Conditions:
Hypoalphalipoproteinemia, primary, 2. Also called: HIGH DENSITY LIPOPROTEIN DEFICIENCY; HYPOALPHALIPOPROTEINEMIA, PRIMARY, 2, AUTOSOMAL RECESSIVE. Identifiers: MedGen C5551172, MONDO:0032766, OMIM 618463.
Hypoalphalipoproteinemia, primary, 1. Identifiers: Orphanet 425, MedGen C5231558, MONDO:0011393, OMIM 604091.
Familial visceral amyloidosis, Ostertag type (AMYLD2). Also called: AMYLOIDOSIS, HEREDITARY SYSTEMIC 2; AMYLOIDOSIS VIII; Familial visceral amyloidosis; Amyloidosis, hepatic and systemic; Hereditary Renal Amyloidosis; Ostertag type amyloidosis. Identifiers: Orphanet 85450, MedGen C0268389, MONDO:0007099, OMIM 105200.
Hypoalphalipoproteinemia, primary, 2, intermediate. Also called: HYPOALPHALIPOPROTEINEMIA, PRIMARY, 2, AUTOSOMAL DOMINANT. Identifiers: MedGen C5677030, MONDO:0859238, OMIM 619836.

Allele frequency attached by ClinVar (database versions not stated): ESP Exome Variant Server 0.00009; TOPMed 0.00022; gnomAD 0.00029; 1000 Genomes Project 30x 0.00047; 1000 Genomes Project 0.00060.
gnomAD v4.1: 622 of 1,613,034 alleles (0.039%); highest among the groups gnomAD compares: South Asian, 0.37%; 5 homozygotes.

Submissions (7):

Blueprint Genetics
Classification: Likely benign. Last evaluated: 2024-11-14. Review status: criteria provided, single submitter. Criteria: ACMG Guidelines, 2015. Collection method: clinical testing. Allele origin: germline.

Women's Health and Genetics/Laboratory Corporation of America, LabCorp
Classification: Benign. Last evaluated: 2023-06-25. Review status: criteria provided, single submitter. Criteria: LabCorp Variant Classification Summary - May 2015. Collection method: clinical testing. Allele origin: germline.

Genome-Nilou Lab
Classification: Benign for Familial visceral amyloidosis, Ostertag type. Last evaluated: 2021-12-05. Review status: criteria provided, single submitter. Criteria: ACMG Guidelines, 2015. Collection method: clinical testing. Allele origin: germline. Affected: no.

Genome-Nilou Lab
Classification: Benign for Hypoalphalipoproteinemia, primary, 2. Last evaluated: 2021-12-05. Review status: criteria provided, single submitter. Criteria: ACMG Guidelines, 2015. Collection method: clinical testing. Allele origin: germline. Affected: no.

Genome-Nilou Lab
Classification: Benign for Hypoalphalipoproteinemia, primary, 2, intermediate. Last evaluated: 2021-12-05. Review status: criteria provided, single submitter. Criteria: ACMG Guidelines, 2015. Collection method: clinical testing. Allele origin: germline. Affected: no.

Illumina Laboratory Services, Illumina
Classification: Benign for Hypoalphalipoproteinemia, primary, 1. Last evaluated: 2018-01-13. Review status: criteria provided, single submitter. Criteria: ICSL Variant Classification Criteria 13 December 2019. Collection method: clinical testing. Allele origin: germline.
Comment: This variant was observed in the ICSL laboratory as part of a predisposition screen in an ostensibly healthy population. It had not been previously curated by ICSL or reported in the Human Gene Mutation Database (HGMD: prior to June 1st, 2018), and was therefore a candidate for classification through an automated scoring system. Utilizing variant allele frequency, disease prevalence and penetrance estimates, and inheritance mode, an automated score was calculated to assess if this variant is too frequent to cause the disease. Based on the score and internal cut-off values, a variant classified as benign is not then subjected to further curation. The score for this variant resulted in a classification of benign for this disease.

Illumina Laboratory Services, Illumina
Classification: Benign for Familial visceral amyloidosis, Ostertag type. Last evaluated: 2018-01-13. Review status: criteria provided, single submitter. Criteria: ICSL Variant Classification Criteria 13 December 2019. Collection method: clinical testing. Allele origin: germline.
Comment: the same text as in the submission from Illumina Laboratory Services, Illumina above.